The following is an entry in ClinVar:

NM_000368.5(TSC1):c.576T>C (p.Tyr192=)

Gene: TSC1 (TSC complex subunit 1; minus strand). Cytogenetic location: 9q34.13.
Variant type: single nucleotide variant.
Coding change: c.576T>C on transcript NM_000368.5 (MANE Select); coding-DNA position 576, T replaced by C.
Protein change: p.Tyr192=; no amino-acid change (tyrosine 192 retained).
Molecular consequence: synonymous variant.
Genome position (GRCh38, 1-based): chr9:132,921,906, A>G on the plus strand (T>C on the coding strand, the complement: TSC1 is on the minus strand). VCF-style: chr9-132921906-A-G. GRCh37 (hg19) VCF-style: chr9-135797293-A-G.
Other names: c.576T>C, p.Tyr192= (NM_001162426.2); c.423T>C, p.Tyr141= (NM_001162427.2); c.213T>C, p.Tyr71= (NM_001362177.2).
Identifiers: ClinVar variation 782227 (VCV000782227.12), dbSNP rs118203406, ClinGen allele CA200901163.
Genomic context (GRCh38, chr9:132,921,906, plus strand): 5'-GTTTTCTTTCATACTGTAATGAGAACGCAAAAAGGAGACGAAGTTGCAAGGGTACATTCC[A>G]TAAAGGCGATGAAAGAGTGCGTACACACTGGCATGGAGATGGACGAGATAGACTTCCGCC-3'
Protein context (NP_000359.1, residues 182-202): ASVYALFHRL[Tyr192=]GMYPCNFVSF

ClinVar aggregate classification (germline): Benign/Likely benign. Review status: criteria provided, multiple submitters, no conflicts (2 of 4 stars). 3 submissions from 3 submitters: Benign (1); Likely benign (2). Last evaluated 2025-12-10.

Conditions:
Hereditary cancer-predisposing syndrome. Also called: Neoplastic Syndromes, Hereditary; Hereditary neoplastic syndrome; Tumor predisposition; Hereditary Cancer Syndrome. Identifiers: Orphanet 140162, MedGen C0027672, MeSH D009386, MONDO:0015356.
Tuberous sclerosis 1 (TSC1). Identifiers: Orphanet 805, MedGen C1854465, MONDO:0008612, OMIM 191100.

Allele frequency attached by ClinVar (database versions not stated): gnomAD exomes below 0.00001.
gnomAD v4.1: 2 of 1,614,232 alleles (0.00012%); highest among the groups gnomAD compares: Non-Finnish European, 0.00017%; no homozygotes.

Submissions (3):

Labcorp Genetics (formerly Invitae), Labcorp
Classification: Likely benign for Tuberous sclerosis 1. Last evaluated: 2025-12-10. Review status: criteria provided, single submitter. Criteria: Invitae Variant Classification Sherloc (09022015). Collection method: clinical testing. Allele origin: germline.

Myriad Genetics, Inc.
Classification: Benign for Tuberous sclerosis 1. Last evaluated: 2025-04-08. Review status: criteria provided, single submitter. Criteria: Myriad Autosomal Dominant, Autosomal Recessive and X-Linked Classification Criteria (2023). Collection method: clinical testing. Allele origin: unknown.
Comment: This variant is considered benign. This variant is a silent/synonymous amino acid change and it is not expected to impact splicing.

Ambry Genetics
Classification: Likely benign for Hereditary cancer-predisposing syndrome. Last evaluated: 2024-04-11. Review status: criteria provided, single submitter. Criteria: Ambry Variant Classification Scheme 2023. Collection method: clinical testing. Allele origin: germline.